The following is an entry in ClinVar:

ClinVar aggregate classification (germline): Uncertain significance (1 of 4 stars; one submission).

Submission:

Labcorp Genetics (formerly Invitae), Labcorp
Classification: Uncertain significance. Last evaluated: 2024-12-04. Review status: criteria provided, single submitter. Criteria: Invitae Variant Classification Sherloc (09022015). Collection method: clinical testing. Allele origin: germline.
Comment: This sequence change replaces aspartic acid, which is acidic and polar, with asparagine, which is neutral and polar, at codon 295 of the PIKFYVE protein (p.Asp295Asn). This variant is present in population databases (rs143530585, gnomAD 0.01%). This variant has not been reported in the literature in individuals affected with PIKFYVE-related conditions. An algorithm developed to predict the effect of missense changes on protein structure and function (PolyPhen-2) suggests that this variant is likely to be disruptive. In summary, the available evidence is currently insufficient to determine the role of this variant in disease. Therefore, it has been classified as a Variant of Uncertain Significance.

NM_015040.4(PIKFYVE):c.883G>A (p.Asp295Asn)

Gene: PIKFYVE (phosphoinositide kinase, FYVE-type zinc finger containing; plus strand). Cytogenetic location: 2q34.
Variant type: single nucleotide variant.
Coding change: c.883G>A on transcript NM_015040.4 (MANE Select); coding-DNA position 883, G replaced by A.
Protein change: p.Asp295Asn; replaces aspartic acid 295 with asparagine.
Molecular consequence: missense variant.
Genome position (GRCh38, 1-based): chr2:208,288,790, G>A. VCF-style: chr2-208288790-G-A. GRCh37 (hg19) VCF-style: chr2-209153514-G-A.
Other names: c.883G>A, p.Asp295Asn (NM_001178000.2); c.592G>A, p.Asp198Asn (NM_152671.4); short protein forms D198N, D295N.
Identifiers: ClinVar variation 3709356 (VCV003709356.2).
Genomic context (GRCh38, chr2:208,288,790, plus strand): 5'-TTGATTCATCCAGATTCCTCAAATACTCCTCTTTCAACAAGACTTGTATCTGTGCAAGAG[G>A]ATGCTGGGAAATCTCCTGCTCGAAATAGGTAAACTGACAAATGAAAACACTGTGCTCTCT-3'
Protein context (NP_055855.2, residues 285-305): LSTRLVSVQE[Asp295Asn]AGKSPARNRS